The following is an entry in ClinVar:

NM_003982.4(SLC7A7):c.361T>A (p.Trp121Arg)

Gene: SLC7A7 (solute carrier family 7 member 7; minus strand). Cytogenetic location: 14q11.2.
Variant type: single nucleotide variant.
Coding change: c.361T>A on transcript NM_003982.4 (MANE Select); coding-DNA position 361, T replaced by A.
Protein change: p.Trp121Arg; replaces tryptophan 121 with arginine.
Molecular consequence: missense variant.
Genome position (GRCh38, 1-based): chr14:22,813,038, A>T on the plus strand (T>A on the coding strand, the complement: SLC7A7 is on the minus strand). VCF-style: chr14-22813038-A-T. GRCh37 (hg19) VCF-style: chr14-23282247-A-T.
Other names: c.361T>A, p.Trp121Arg (NM_001126105.3, NM_001126106.4); short protein forms W121R.
Identifiers: ClinVar variation 4977487 (VCV004977487.1).

ClinVar aggregate classification (germline): Uncertain significance (1 of 4 stars; one submission).

Conditions:
SLC7A7-related disorder. Also called: SLC7A7-related condition.

gnomAD v4.1: 30 of 1,613,956 alleles (0.0019%); highest among the groups gnomAD compares: Non-Finnish European, 0.0023%; no homozygotes.

Submission:

PreventionGenetics, part of Exact Sciences
Classification: Uncertain significance for SLC7A7-related condition. Last evaluated: 2025-03-13. Review status: criteria provided, single submitter. Criteria: ACMG Guidelines, 2015. Collection method: clinical testing. Allele origin: germline.
Comment: The SLC7A7 c.361T>A variant is predicted to result in the amino acid substitution p.Trp121Arg. To our knowledge, this variant has not been reported in the literature or in a large population database (gnomAD), indicating this variant is rare. At this time, the clinical significance of this variant is uncertain due to the absence of conclusive functional and genetic evidence.